The following is an entry in ClinVar:

ClinVar aggregate classification (germline): Uncertain significance (1 of 4 stars; one submission).

Submission:

Labcorp Genetics (formerly Invitae), Labcorp
Classification: Uncertain significance. Last evaluated: 2022-05-11. Review status: criteria provided, single submitter. Criteria: Invitae Variant Classification Sherloc (09022015). Collection method: clinical testing. Allele origin: germline.
Comment: Algorithms developed to predict the effect of missense changes on protein structure and function are either unavailable or do not agree on the potential impact of this missense change (SIFT: "Deleterious"; PolyPhen-2: "Probably Damaging"; Align-GVGD: "Class C0"). This variant has not been reported in the literature in individuals affected with CTR9-related conditions. This variant is not present in population databases (gnomAD no frequency). This sequence change replaces tyrosine, which is neutral and polar, with cysteine, which is neutral and slightly polar, at codon 329 of the CTR9 protein (p.Tyr329Cys). In summary, the available evidence is currently insufficient to determine the role of this variant in disease. Therefore, it has been classified as a Variant of Uncertain Significance.

NM_014633.5(CTR9):c.986A>G (p.Tyr329Cys)

Gene: CTR9 (CTR9 component of Paf1/RNA polymerase II complex; plus strand). Cytogenetic location: 11p15.4.
Variant type: single nucleotide variant.
Coding change: c.986A>G on transcript NM_014633.5 (MANE Select); coding-DNA position 986, A replaced by G.
Protein change: p.Tyr329Cys; replaces tyrosine 329 with cysteine.
Molecular consequence: missense variant.
Genome position (GRCh38, 1-based): chr11:10,763,671, A>G. VCF-style: chr11-10763671-A-G. GRCh37 (hg19) VCF-style: chr11-10785218-A-G.
Other names: c.986A>G, p.Tyr329Cys (NM_001346279.2); short protein forms Y329C.
Identifiers: ClinVar variation 1485146 (VCV001485146.6), dbSNP rs2135368223, ClinGen allele CA379664395.